The following is an entry in ClinVar:

ClinVar aggregate classification (germline): Uncertain significance (1 of 4 stars; one submission).

Submission:

Labcorp Genetics (formerly Invitae), Labcorp
Classification: Uncertain significance. Last evaluated: 2025-11-28. Review status: criteria provided, single submitter. Criteria: Invitae Variant Classification Sherloc (09022015). Collection method: clinical testing. Allele origin: germline.
Comment: This sequence change replaces arginine, which is basic and polar, with glutamine, which is neutral and polar, at codon 116 of the MYLK3 protein (p.Arg116Gln). This variant is present in population databases (no rsID available, gnomAD 0.001%). This variant has not been reported in the literature in individuals affected with MYLK3-related conditions. ClinVar contains an entry for this variant (Variation ID: 1905817). An algorithm developed to predict the effect of missense changes on protein structure and function (PolyPhen-2) suggests that this variant is likely to be tolerated. In summary, the available evidence is currently insufficient to determine the role of this variant in disease. Therefore, it has been classified as a Variant of Uncertain Significance.

NM_182493.3(MYLK3):c.346_347delinsCA (p.Arg116Gln)

Gene: MYLK3 (myosin light chain kinase 3; minus strand). Cytogenetic location: 16q11.2.
Variant type: Indel.
Coding change: c.346_347delinsCA on transcript NM_182493.3 (MANE Select); coding-DNA positions 346 to 347, AG replaced by CA.
Protein change: p.Arg116Gln; replaces arginine 116 with glutamine.
Molecular consequence: missense variant. On other transcripts: intron variant (1).
Genome position (GRCh38, 1-based): chr16:46,747,847-46,747,848, CT replaced by TG on the plus strand (AG replaced by CA on the coding strand, the reverse complement: MYLK3 is on the minus strand). VCF-style: chr16-46747847-CT-TG. GRCh37 (hg19) VCF-style: chr16-46781759-CT-TG.
Other names: c.-113-7701_-113-7700delinsCA (NM_001308301.1); short protein forms R116Q.
Identifiers: ClinVar variation 1905817 (VCV001905817.5), dbSNP rs2548911377, ClinGen allele CA2580091548.